The following is an entry in ClinVar:

ClinVar aggregate classification (germline): Uncertain significance. Review status: criteria provided, multiple submitters, no conflicts (2 of 4 stars). 3 submissions from 3 submitters: Uncertain significance (3). Last evaluated 2024-02-05.

Conditions:
Inborn genetic diseases. Identifiers: MedGen C0950123, MeSH D030342.
Greenberg dysplasia (GRBGD). Also called: HEM SKELETAL DYSPLASIA; MOTH-EATEN SKELETAL DYSPLASIA; CHONDRODYSTROPHY, HYDROPIC AND PRENATALLY LETHAL TYPE. Identifiers: Orphanet 1426, MedGen C2931048, MONDO:0008974, OMIM 215140.

Allele frequency attached by ClinVar (database versions not stated): ExAC 0.00001; gnomAD exomes 0.00001; TOPMed 0.00005; gnomAD 0.00006.
gnomAD v4.1: 19 of 1,613,660 alleles (0.0012%); highest among the groups gnomAD compares: East Asian, 0.016%; no homozygotes.

Submissions (3):

Labcorp Genetics (formerly Invitae), Labcorp
Classification: Uncertain significance. Last evaluated: 2024-02-05. Review status: criteria provided, single submitter. Criteria: Invitae Variant Classification Sherloc (09022015). Collection method: clinical testing. Allele origin: germline.
Comment: This sequence change replaces arginine, which is basic and polar, with histidine, which is basic and polar, at codon 372 of the LBR protein (p.Arg372His). This variant is present in population databases (rs747250396, gnomAD 0.02%). This variant has not been reported in the literature in individuals affected with LBR-related conditions. ClinVar contains an entry for this variant (Variation ID: 874221). Advanced modeling of protein sequence and biophysical properties (such as structural, functional, and spatial information, amino acid conservation, physicochemical variation, residue mobility, and thermodynamic stability) performed at Invitae indicates that this missense variant is not expected to disrupt LBR protein function with a negative predictive value of 80%. In summary, the available evidence is currently insufficient to determine the role of this variant in disease. Therefore, it has been classified as a Variant of Uncertain Significance.

Ambry Genetics
Classification: Uncertain significance for Inborn genetic diseases. Last evaluated: 2022-03-15. Review status: criteria provided, single submitter. Criteria: Ambry Variant Classification Scheme 2023. Collection method: clinical testing. Allele origin: germline.

Illumina Laboratory Services, Illumina
Classification: Uncertain significance for Greenberg dysplasia. Last evaluated: 2017-04-27. Review status: criteria provided, single submitter. Criteria: ICSL Variant Classification Criteria 13 December 2019. Collection method: clinical testing. Allele origin: germline.
Comment: This variant was observed as part of a predisposition screen in an ostensibly healthy population. A literature search was performed for the gene, cDNA change, and amino acid change (where applicable). Publications were found based on this search. However, the evidence from the literature, in combination with allele frequency data from public databases where available, was not sufficient to rule this variant in or out of causing disease. Therefore, this variant is classified as a variant of unknown significance.

Literature cited by the submitters: PubMed 20522425 (cited by Illumina Laboratory Services, Illumina).

NM_002296.4(LBR):c.1115G>A (p.Arg372His)

Gene: LBR (lamin B receptor; minus strand). Cytogenetic location: 1q42.12.
Variant type: single nucleotide variant.
Coding change: c.1115G>A on transcript NM_002296.4 (MANE Select); coding-DNA position 1115, G replaced by A.
Protein change: p.Arg372His; replaces arginine 372 with histidine.
Molecular consequence: missense variant.
Genome position (GRCh38, 1-based): chr1:225,411,410, C>T on the plus strand (G>A on the coding strand, the complement: LBR is on the minus strand). VCF-style: chr1-225411410-C-T. GRCh37 (hg19) VCF-style: chr1-225599112-C-T.
Other names: c.1115G>A, p.Arg372His (NM_194442.3); short protein forms R372H.
Identifiers: ClinVar variation 874221 (VCV000874221.13), dbSNP rs747250396, ClinGen allele CA1417237.